The following is an entry in ClinVar:

ClinVar aggregate classification (germline): Uncertain significance (1 of 4 stars; one submission).

Conditions:
PLXNA1-related disorder. Also called: PLXNA1-related condition.

Allele frequency attached by ClinVar (database versions not stated): ExAC 0.00002; gnomAD 0.00005; 1000 Genomes Project 30x 0.00016; 1000 Genomes Project 0.00020.
gnomAD v4.1: 52 of 1,613,530 alleles (0.0032%); highest among the groups gnomAD compares: East Asian, 0.013%; no homozygotes.

Submission:

PreventionGenetics, part of Exact Sciences
Classification: Uncertain significance for PLXNA1-related condition. Last evaluated: 2026-04-14. Review status: criteria provided, single submitter. Criteria: ACMG Guidelines, 2015. Collection method: clinical testing. Allele origin: germline.
Comment: The PLXNA1 c.3341G>A variant is predicted to result in the amino acid substitution p.Arg1114His. To our knowledge, this variant has not been reported in the literature. This variant is reported in 0.0054% of alleles in individuals of European (non-Finnish) descent in gnomAD. Statistical evidence in gnomAD suggests the PLXNA1 gene is intolerant of missense variation. At this time, the clinical significance of this variant is uncertain due to the absence of conclusive functional and genetic evidence.

NM_032242.4(PLXNA1):c.3341G>A (p.Arg1114His)

Gene: PLXNA1 (plexin A1; plus strand). Cytogenetic location: 3q21.3.
Variant type: single nucleotide variant.
Coding change: c.3341G>A on transcript NM_032242.4 (MANE Select); coding-DNA position 3341, G replaced by A.
Protein change: p.Arg1114His; replaces arginine 1114 with histidine.
Molecular consequence: missense variant.
Genome position (GRCh38, 1-based): chr3:127,017,489, G>A. VCF-style: chr3-127017489-G-A. GRCh37 (hg19) VCF-style: chr3-126736332-G-A.
Other names: short protein forms R1114H.
Identifiers: ClinVar variation 3031071 (VCV003031071.3), dbSNP rs545559492, ClinGen allele CA2593990.